The following is an entry in ClinVar:

ClinVar aggregate classification (germline): Conflicting classifications of pathogenicity. Review status: criteria provided, conflicting classifications (1 of 4 stars). 8 submissions from 8 submitters: Uncertain significance (2); Benign (1); Likely benign (2). 3 of the submissions do not count toward it. Last evaluated 2026-01-28.

Conditions:
PEX1-related disorder. Also called: PEX1-related condition.
Zellweger spectrum disorders (ZS). Also called: Zellweger syndrome; Zellweger Spectrum Disorder (ZSD); Zellweger Spectrum Disorder; Zellweger Spectrum. Identifiers: Orphanet 912, MedGen C0043459, MONDO:0019609.
Peroxisome biogenesis disorder 1A (Zellweger) (PBD1A). Also called: Peroxisome biogenesis disorder 1a; Zellweger leukodystrophy. Identifiers: MedGen C4721541, MONDO:0008953, OMIM 214100.
Microcephaly. Also called: Microcephaly (disease). Identifiers: MedGen C4551563, MONDO:0001149, HP:0000252.

Allele frequency attached by ClinVar (database versions not stated): ExAC 0.00048; 1000 Genomes Project 30x 0.00156; gnomAD exomes 0.00016 and 0.00055; 1000 Genomes Project 0.00160; TOPMed 0.00039.
gnomAD v4.1: 267 of 1,613,952 alleles (0.017%); highest among the groups gnomAD compares: East Asian, 0.58%; 1 homozygote.

Submissions (8):

Labcorp Genetics (formerly Invitae), Labcorp
Classification: Benign for Zellweger spectrum disorders. Last evaluated: 2026-01-28. Review status: criteria provided, single submitter. Criteria: Invitae Variant Classification Sherloc (09022015). Collection method: clinical testing. Allele origin: germline.

Blueprint Genetics
Classification: Likely benign. Last evaluated: 2024-10-03. Review status: criteria provided, single submitter. Criteria: ACMG Guidelines, 2015. Collection method: clinical testing. Allele origin: germline.

Mayo Clinic Laboratories, Mayo Clinic
Classification: Uncertain significance. Last evaluated: 2024-04-19. Review status: criteria provided, single submitter. Criteria: ACMG Guidelines, 2015. Collection method: clinical testing. Allele origin: germline. Observed: 1 variant allele.
Comment: BS1

Illumina Laboratory Services, Illumina
Classification: Uncertain significance for Peroxisome biogenesis disorder 1A (Zellweger). Last evaluated: 2018-01-12. Review status: criteria provided, single submitter. Criteria: ICSL Variant Classification Criteria 13 December 2019. Collection method: clinical testing. Allele origin: germline.

Eurofins Ntd Llc (ga)
Classification: Likely benign. Last evaluated: 2016-11-07. Review status: criteria provided, single submitter. Criteria: EGL Classification Definitions 2015. Collection method: clinical testing. Allele origin: germline. Observed: 2 variant alleles, 2 heterozygotes.

Natera, Inc.
Classification: Likely benign for Zellweger syndrome. Last evaluated: 2020-05-30. Review status: no assertion criteria provided. Collection method: clinical testing. Allele origin: germline. Not counted in ClinVar's aggregate classification.

PreventionGenetics, part of Exact Sciences
Classification: Benign for PEX1-related condition. Last evaluated: 2019-05-29. Review status: no assertion criteria provided. Collection method: clinical testing. Allele origin: germline. Not counted in ClinVar's aggregate classification.
Comment: This variant is classified as benign based on ACMG/AMP sequence variant interpretation guidelines (Richards et al. 2015 PMID: 25741868, with internal and published modifications).

Department of Pediatrics, Samsung Medical Center, Samsung Medical Center
Classification: Uncertain significance for Microcephaly. Review status: no assertion criteria provided. Criteria: ACMG Guidelines, 2015. Collection method: research. Allele origin: germline. Affected: yes. Not counted in ClinVar's aggregate classification.

NM_000466.3(PEX1):c.2792C>A (p.Ala931Asp)

Genes: GATAD1 (GATA zinc finger domain containing 1; plus strand), PEX1 (peroxisomal biogenesis factor 1; minus strand). Cytogenetic location: 7q21.2.
Variant type: single nucleotide variant.
Coding change: c.2792C>A on transcript NM_000466.3 (MANE Select); coding-DNA position 2792, C replaced by A.
Protein change: p.Ala931Asp; replaces alanine 931 with aspartic acid.
Molecular consequence: missense variant.
Genome position (GRCh38, 1-based): chr7:92,494,621, G>T on the plus strand (C>A on the coding strand, the complement: PEX1 is on the minus strand). VCF-style: chr7-92494621-G-T. GRCh37 (hg19) VCF-style: chr7-92123935-G-T.
Other names: c.2621C>A, p.Ala874Asp (NM_001282677.2); c.2168C>A, p.Ala723Asp (NM_001282678.2); short protein forms A931D, A723D, A874D.
Identifiers: ClinVar variation 93108 (VCV000093108.26), dbSNP rs144825021, ClinGen allele CA220978.
Genomic context (GRCh38, chr7:92,494,621, plus strand): 5'-TGACCCCGCCGAGGAGCAATGGATTCAAATTCATCAAAGAAAAGAATGCAGGGCTTTGCA[G>T]CCTGTGCTCTGGGAAAAACAAACAACATTTCATATTTGAATCAGGCTTCATAGTTGGCAA-3'
Protein context (NP_000457.1, residues 921-941): AVRDIFIRAQ[Ala931Asp]AKPCILFFDE